The following is an entry in ClinVar:

ClinVar aggregate classification (germline): Pathogenic. Review status: criteria provided, multiple submitters, no conflicts (2 of 4 stars). 3 submissions from 3 submitters: Pathogenic (2). 1 of the submissions does not count toward it. Last evaluated 2022-04-08.

Conditions:
Premature ovarian failure 5 (POF5). Identifiers: MedGen C1969060, MONDO:0012689, OMIM 611548.

Allele frequency attached by ClinVar (database versions not stated): gnomAD exomes below 0.00001; ExAC 0.00001.
gnomAD v4.1: 12 of 1,613,934 alleles (0.00074%); highest among the groups gnomAD compares: Middle Eastern, 0.016%; no homozygotes.

Submissions (3):

GeneDx
Classification: Pathogenic. Last evaluated: 2022-04-08. Review status: criteria provided, single submitter. Criteria: GeneDx Variant Classification Process June 2021. Collection method: clinical testing. Allele origin: germline. Affected: yes.
Comment: Published functional studies demonstrate a damaging effect (dose-dependent effect on transcriptional activity) (Bouilly et al., 2011); Nonsense variant predicted to result in protein truncation or nonsense mediated decay in a gene for which loss of function is a known mechanism of disease; Not observed at significant frequency in large population cohorts (gnomAD); This variant is associated with the following publications: (PMID: 31589614, 21837770, 31293321)

CeGaT Center for Human Genetics Tuebingen
Classification: Pathogenic. Last evaluated: 2018-09-01. Review status: criteria provided, single submitter. Criteria: CeGaT Center For Human Genetics Tuebingen Variant Classification Criteria Version 2. Collection method: clinical testing. Allele origin: germline. Affected: yes. Observed: 3 variant alleles.

OMIM
Classification: Pathogenic for PREMATURE OVARIAN FAILURE 5. Last evaluated: 2011-10-01. Review status: no assertion criteria provided. Collection method: literature only. Allele origin: germline. Not counted in ClinVar's aggregate classification.

Literature cited by the submitters: PubMed 21837770 (cited by OMIM).

NM_001436401.1(NOBOX):c.652C>T (p.Arg218Ter)

Gene: NOBOX (NOBOX oogenesis homeobox; minus strand). Cytogenetic location: 7q35.
Variant type: single nucleotide variant.
Coding change: c.652C>T on transcript NM_001436401.1 (MANE Select); coding-DNA position 652, C replaced by T.
Protein change: p.Arg218Ter; replaces arginine 218 with a stop codon.
Molecular consequence: nonsense.
Genome position (GRCh38, 1-based): chr7:144,400,250, G>A on the plus strand (C>T on the coding strand, the complement: NOBOX is on the minus strand). VCF-style: chr7-144400250-G-A. GRCh37 (hg19) VCF-style: chr7-144097343-G-A.
Other names: R303*; NM_001080413.3:c.907C>T; c.100C>T, p.Arg34Ter (NM_001436402.1); short protein forms R218*, R34*.
Identifiers: ClinVar variation 167873 (VCV000167873.45), dbSNP rs193303102, ClinGen allele CA180517.